The following is an entry in ClinVar:

ClinVar aggregate classification (germline): Uncertain significance (1 of 4 stars; one submission).

Allele frequency attached by ClinVar (database versions not stated): gnomAD exomes below 0.00001; gnomAD 0.00001; TOPMed 0.00001.

Submission:

CeGaT Center for Human Genetics Tuebingen
Classification: Uncertain significance. Last evaluated: 2023-02-01. Review status: criteria provided, single submitter. Criteria: CeGaT Center For Human Genetics Tuebingen Variant Classification Criteria Version 2. Collection method: clinical testing. Allele origin: germline. Affected: yes. Observed: 1 variant allele.
Comment: TEKT4: PM2

NM_144705.4(TEKT4):c.127G>A (p.Glu43Lys)

Genes: TEKT4 (tektin 4; plus strand), LOC442028 (uncharacterized LOC442028; minus strand). Cytogenetic location: 2q11.1.
Variant type: single nucleotide variant.
Coding change: c.127G>A on transcript NM_144705.4 (MANE Select); coding-DNA position 127, G replaced by A.
Protein change: p.Glu43Lys; replaces glutamic acid 43 with lysine.
Molecular consequence: missense variant. On other transcripts: 5 prime UTR variant (1).
Genome position (GRCh38, 1-based): chr2:94,871,706, G>A. VCF-style: chr2-94871706-G-A. GRCh37 (hg19) VCF-style: chr2-95537451-G-A.
Other names: c.-1123G>A (NM_001286559.2); short protein forms E43K.
Identifiers: ClinVar variation 2651114 (VCV002651114.24), dbSNP rs1254818381, ClinGen allele CA347603623.